The following is an entry in ClinVar:

ClinVar aggregate classification (germline): Pathogenic (1 of 4 stars; one submission).

Conditions:
Inborn genetic diseases. Identifiers: MedGen C0950123, MeSH D030342.

Submission:

Ambry Genetics
Classification: Pathogenic for Inborn genetic diseases. Last evaluated: 2025-12-02. Review status: criteria provided, single submitter. Criteria: Ambry Variant Classification Scheme 2023. Collection method: clinical testing. Allele origin: germline.
Comment: The c.2919+134_4827+575delinsTATCT variant involves the deletion of 6731 and insertion of 5 nucleotides, and spans at least coding exons 19 through 30 in the CLTC gene. The resulting transcript is predicted to preserve the reading frame and is not expected to trigger nonsense-mediated mRNAdecay. However, gross deletions are typically deleterious in nature, the impacted region is critical for protein function, and a significant portion of the protein is affected (Ambry internal data). This variant was not reported in population-based cohorts in the Genome Aggregation Database (gnomAD). Based on the available evidence, this alteration is classified as pathogenic.

NM_004859.4(CLTC):c.2919+134_4827+575delinsTATCT

Genes: CLTC (clathrin heavy chain; plus strand), LOC125177523 (Sharpr-MPRA regulatory region 12460; plus strand), LOC126862609 (CDK7 strongly-dependent group 2 enhancer GRCh37_chr17:57760547-57761746; plus strand). Cytogenetic location: 17q23.1.
Variant type: Indel.
Coding change: c.2919+134_4827+575delinsTATCT on transcript NM_004859.4 (MANE Select); 134 bases into the intron after coding-DNA position 2919 through 575 bases into the intron after coding-DNA position 4827, the reference bases replaced by TATCT.
Molecular consequence: splice acceptor variant, splice donor variant.
Genome position (GRCh38, 1-based): chr17:59,679,653-59,686,383, 6,731 bases replaced. GRCh37 (hg19): chr17:57,757,014-57,763,744.
Other names: c.2931+134_4839+575delinsTATCT (NM_001288653.2).
Identifiers: ClinVar variation 4615974 (VCV004615974.1).